The following is an entry in ClinVar:

NM_000188.3(HK1):c.250G>A (p.Asp84Asn)

Gene: HK1 (hexokinase 1; plus strand). Cytogenetic location: 10q22.1.
Variant type: single nucleotide variant.
Coding change: c.250G>A on transcript NM_000188.3 (MANE Select); coding-DNA position 250, G replaced by A.
Protein change: p.Asp84Asn; replaces aspartic acid 84 with asparagine.
Molecular consequence: missense variant.
Genome position (GRCh38, 1-based): chr10:69,359,920, G>A. VCF-style: chr10-69359920-G-A. GRCh37 (hg19) VCF-style: chr10-71119676-G-A.
Other names: c.262G>A, p.Asp88Asn (NM_001322364.2, NM_001358263.1, NM_033497.3 and 1 more transcripts); c.355G>A, p.Asp119Asn (NM_001322365.2); c.166G>A, p.Asp56Asn (NM_001322366.1); c.250G>A, p.Asp84Asn (NM_001322367.1); c.247G>A, p.Asp83Asn (NM_033496.3); c.214G>A, p.Asp72Asn (NM_033500.2); short protein forms D119N, D56N, D84N, D72N, D83N, D88N.
Identifiers: ClinVar variation 1520416 (VCV001520416.8), dbSNP rs2132762309, ClinGen allele CA376910450.

ClinVar aggregate classification (germline): Uncertain significance (1 of 4 stars; one submission).

Submission:

Labcorp Genetics (formerly Invitae), Labcorp
Classification: Uncertain significance. Last evaluated: 2023-09-03. Review status: criteria provided, single submitter. Criteria: Invitae Variant Classification Sherloc (09022015). Collection method: clinical testing. Allele origin: germline.
Comment: This sequence change replaces aspartic acid, which is acidic and polar, with asparagine, which is neutral and polar, at codon 84 of the HK1 protein (p.Asp84Asn). This variant is not present in population databases (gnomAD no frequency). This missense change has been observed in individual(s) with clinical features of retinitis pigmentosa (Invitae). ClinVar contains an entry for this variant (Variation ID: 1520416). Advanced modeling of protein sequence and biophysical properties (such as structural, functional, and spatial information, amino acid conservation, physicochemical variation, residue mobility, and thermodynamic stability) performed at Invitae indicates that this missense variant is not expected to disrupt HK1 protein function. In summary, the available evidence is currently insufficient to determine the role of this variant in disease. Therefore, it has been classified as a Variant of Uncertain Significance.